The following is an entry in ClinVar:

NM_000186.4(CFH):c.962C>A (p.Thr321Asn)

Gene: CFH (complement factor H; plus strand). Cytogenetic location: 1q31.3.
Variant type: single nucleotide variant.
Coding change: c.962C>A on transcript NM_000186.4 (MANE Select); coding-DNA position 962, C replaced by A.
Protein change: p.Thr321Asn; replaces threonine 321 with asparagine.
Molecular consequence: missense variant.
Genome position (GRCh38, 1-based): chr1:196,685,235, C>A. VCF-style: chr1-196685235-C-A. GRCh37 (hg19) VCF-style: chr1-196654365-C-A.
Other names: c.962C>A, p.Thr321Asn (NM_001014975.3); short protein forms T321N.
Identifiers: ClinVar variation 2112272 (VCV002112272.4), dbSNP rs745407413, ClinGen allele CA343978908.

ClinVar aggregate classification (germline): Uncertain significance (1 of 4 stars; one submission).

Submission:

Labcorp Genetics (formerly Invitae), Labcorp
Classification: Uncertain significance. Last evaluated: 2024-10-07. Review status: criteria provided, single submitter. Criteria: Invitae Variant Classification Sherloc (09022015). Collection method: clinical testing. Allele origin: germline.
Comment: This sequence change replaces threonine, which is neutral and polar, with asparagine, which is neutral and polar, at codon 321 of the CFH protein (p.Thr321Asn). This variant is not present in population databases (gnomAD no frequency). This variant has not been reported in the literature in individuals affected with CFH-related conditions. ClinVar contains an entry for this variant (Variation ID: 2112272). An algorithm developed to predict the effect of missense changes on protein structure and function outputs the following: PolyPhen-2: "Benign". The asparagine amino acid residue is found in multiple mammalian species, which suggests that this missense change does not adversely affect protein function. In summary, the available evidence is currently insufficient to determine the role of this variant in disease. Therefore, it has been classified as a Variant of Uncertain Significance.